The following is an entry in ClinVar:

ClinVar aggregate classification (germline): Pathogenic. Review status: criteria provided, single submitter (1 of 4 stars). 2 submissions from 2 submitters: Pathogenic (1). 1 of the submissions does not count toward it. Last evaluated 2018-01-17.

Conditions:
Retinoblastoma (RB1). Also called: RETINOBLASTOMA, SOMATIC. Identifiers: Orphanet 790, MedGen C0035335, MeSH D012175, MONDO:0008380, OMIM 180200, HP:0009919. Disease mechanism: loss of function. Inheritance: Both sporadic and heritable forms are tested..
Malignant tumor of urinary bladder. Also called: Bladder cancer; Urinary bladder cancer; Urinary Bladder Neoplasms. Identifiers: MedGen C0005684, MONDO:0001187, OMIM 109800.

Submissions (2):

Labcorp Genetics (formerly Invitae), Labcorp
Classification: Pathogenic for Retinoblastoma. Last evaluated: 2018-01-17. Review status: criteria provided, single submitter. Criteria: Invitae Variant Classification Sherloc (09022015). Collection method: clinical testing. Allele origin: germline.
Comment: This sequence change creates a premature translational stop signal (p.Gln395*) in the RB1 gene. It is expected to result in an absent or disrupted protein product. This variant is not present in population databases (ExAC no frequency). This variant has been reported in an individua affected with retinoblastoma (PMID: 24791139). Loss-of-function variants in RB1 are known to be pathogenic (PMID: 17096365). For these reasons, this variant has been classified as Pathogenic.

Laboratory of Urology, Hospital Clinic de Barcelona
Classification: Pathogenic for Malignant tumor of urinary bladder. Review status: no assertion criteria provided. Collection method: research. Allele origin: somatic. Affected: yes. Not counted in ClinVar's aggregate classification.

Literature cited by the submitters: PubMed 24791139 (cited by Labcorp Genetics (formerly Invitae), Labcorp); PubMed 17096365 (cited by Labcorp Genetics (formerly Invitae), Labcorp).

NM_000321.3(RB1):c.1183C>T (p.Gln395Ter)

Gene: RB1 (RB transcriptional corepressor 1; plus strand). Cytogenetic location: 13q14.2.
Variant type: single nucleotide variant.
Coding change: c.1183C>T on transcript NM_000321.3 (MANE Select); coding-DNA position 1183, C replaced by T.
Protein change: p.Gln395Ter; replaces glutamine 395 with a stop codon.
Molecular consequence: nonsense.
Genome position (GRCh38, 1-based): chr13:48,373,460, C>T. VCF-style: chr13-48373460-C-T. GRCh37 (hg19) VCF-style: chr13-48947596-C-T.
Other names: short protein forms Q395*.
Identifiers: ClinVar variation 575444 (VCV000575444.9), dbSNP rs1566196458, ClinGen allele CA388161580.